The following is an entry in ClinVar:

ClinVar aggregate classification (germline): Pathogenic/Likely pathogenic. Review status: criteria provided, multiple submitters, no conflicts (2 of 4 stars). 3 submissions from 3 submitters: Pathogenic (2); Likely pathogenic (1). Last evaluated 2023-01-17.

Conditions:
Marshall-Smith syndrome (MRSHSS). Identifiers: Orphanet 561, MedGen C0265211, MONDO:0011244, OMIM 602535.
Malan overgrowth syndrome (MALNS). Also called: Sotos syndrome 2; MALAN SYNDROME; NFIX-Related Malan Syndrome. Identifiers: Orphanet 420179, MedGen C3553660, MONDO:0013885, OMIM 614753.

Submissions (3):

GeneDx
Classification: Pathogenic. Last evaluated: 2023-01-17. Review status: criteria provided, single submitter. Criteria: GeneDx Variant Classification Process June 2021. Collection method: clinical testing. Allele origin: germline. Affected: yes.
Comment: Not observed in large population cohorts (gnomAD); In silico analysis supports that this missense variant has a deleterious effect on protein structure/function; Also known as p.K125E due to the use of an alternate transcript; This variant is associated with the following publications: (PMID: 29897170, 26193383)

Labcorp Genetics (formerly Invitae), Labcorp
Classification: Pathogenic for Malan overgrowth syndrome; Marshall-Smith syndrome. Last evaluated: 2022-08-19. Review status: criteria provided, single submitter. Criteria: Invitae Variant Classification Sherloc (09022015). Collection method: clinical testing. Allele origin: germline.
Comment: This missense change has been observed in individual(s) with NFIX-related conditions (PMID: 26193383; Invitae). In at least one individual the variant was observed to be de novo. For these reasons, this variant has been classified as Pathogenic. This variant disrupts the p.Lys133 amino acid residue in NFIX. Other variant(s) that disrupt this residue have been observed in individuals with NFIX-related conditions (PMID: 29142766), which suggests that this may be a clinically significant amino acid residue. Algorithms developed to predict the effect of missense changes on protein structure and function are either unavailable or do not agree on the potential impact of this missense change (SIFT: "Deleterious"; PolyPhen-2: "Not Available"; Align-GVGD: "Class C0"). ClinVar contains an entry for this variant (Variation ID: 1324805). This variant is also known as c.373A>G, p.Lys125Glu. This variant is not present in population databases (gnomAD no frequency). This sequence change replaces lysine, which is basic and polar, with glutamic acid, which is acidic and polar, at codon 133 of the NFIX protein (p.Lys133Glu).

Revvity Omics, Revvity
Classification: Likely pathogenic. Last evaluated: 2020-12-17. Review status: criteria provided, single submitter. Criteria: ACMG Guidelines, 2015. Collection method: clinical testing. Allele origin: germline.

Literature cited by the submitters: PubMed 26193383 (cited by Labcorp Genetics (formerly Invitae), Labcorp); PubMed 29142766 (cited by Labcorp Genetics (formerly Invitae), Labcorp).

NM_001365902.3(NFIX):c.373A>G (p.Lys125Glu)

Gene: NFIX (nuclear factor I X; plus strand). Cytogenetic location: 19p13.13.
Variant type: single nucleotide variant.
Coding change: c.373A>G on transcript NM_001365902.3 (MANE Select); coding-DNA position 373, A replaced by G.
Protein change: p.Lys125Glu; replaces lysine 125 with glutamic acid.
Molecular consequence: missense variant.
Genome position (GRCh38, 1-based): chr19:13,025,366, A>G. VCF-style: chr19-13025366-A-G. GRCh37 (hg19) VCF-style: chr19-13136180-A-G.
Other names: c.397A>G, p.Lys133Glu (NM_001271043.2); c.349A>G, p.Lys117Glu (NM_001271044.3, NM_001378404.1); c.373A>G, p.Lys125Glu (NM_001365982.2, NM_002501.4); c.232A>G, p.Lys78Glu (NM_001365983.2); c.370A>G, p.Lys124Glu (NM_001365984.2, NM_001365985.2); c.421A>G, p.Lys141Glu (NM_001378405.1); short protein forms K117E, K124E, K125E, K133E, K141E, K78E.
Identifiers: ClinVar variation 1324805 (VCV001324805.8), dbSNP rs2145192745, ClinGen allele CA404314636.
Genomic context (GRCh38, chr19:13,025,366, plus strand): 5'-CTCTCCAACCCCGACCAGAAGGGCAAGATCCGGCGGATTGACTGCCTGCGCCAGGCTGAC[A>G]AGGTGTGGCGGCTGGACCTGGTCATGGTGATTTTGTTTAAGGGGATCCCCCTGGAAAGTA-3'
Protein context (NP_001352831.1, residues 115-135): RRIDCLRQAD[Lys125Glu]VWRLDLVMVI